The following is an entry in ClinVar:

ClinVar aggregate classification (germline): Benign. Review status: criteria provided, multiple submitters, no conflicts (2 of 4 stars). 2 submissions from 2 submitters: Benign (2). Last evaluated 2021-08-10.

Conditions:
Perrault syndrome 2 (PRLTS2). Identifiers: Orphanet 2855, Orphanet 642976, MedGen C3554105, MONDO:0013972, OMIM 614926.

Allele frequency attached by ClinVar (database versions not stated): ESP Exome Variant Server 0.95033; 1000 Genomes Project 30x 0.95112; TOPMed 0.95127; 1000 Genomes Project 0.95228; gnomAD 0.95353 and 0.95688; ExAC 0.98639; gnomAD exomes 0.98867 and 0.99570.
gnomAD v4.1: 1,590,293 of 1,603,342 alleles (99%); highest among the groups gnomAD compares: East Asian, 100%; 789,481 homozygotes.

Submissions (2):

Genome-Nilou Lab
Classification: Benign for Perrault syndrome 2. Last evaluated: 2021-08-10. Review status: criteria provided, single submitter. Criteria: ACMG Guidelines, 2015. Collection method: clinical testing. Allele origin: germline. Affected: no.

GeneDx
Classification: Benign. Last evaluated: 2018-06-13. Review status: criteria provided, single submitter. Criteria: GeneDx Variant Classification (06012015). Collection method: clinical testing. Allele origin: germline. Affected: yes.
Comment: This variant is considered likely benign or benign based on one or more of the following criteria: it is a conservative change, it occurs at a poorly conserved position in the protein, it is predicted to be benign by multiple in silico algorithms, and/or has population frequency not consistent with disease.

NM_012208.4(HARS2):c.1461+36A>G

Gene: HARS2 (histidyl-tRNA synthetase 2, mitochondrial; plus strand). Cytogenetic location: 5q31.3.
Variant type: single nucleotide variant.
Coding change: c.1461+36A>G on transcript NM_012208.4 (MANE Select); 36 bases into the intron after coding-DNA position 1461, A replaced by G.
Molecular consequence: intron variant.
Genome position (GRCh38, 1-based): chr5:140,698,114, A>G. VCF-style: chr5-140698114-A-G. GRCh37 (hg19) VCF-style: chr5-140077699-A-G.
Other names: c.1029+36A>G (NM_001278732.2); c.1479+36A>G (NM_001363535.2); c.1386+36A>G (NM_001278731.2); c.1251+36A>G (NM_001363536.2).
Identifiers: ClinVar variation 671555 (VCV000671555.3), dbSNP rs2530234, ClinGen allele CA3444722.
Genomic context (GRCh38, chr5:140,698,114, plus strand): 5'-CCGTTCAGTGGCCAGCAGAGAGGAGGTGAGTGGCGGCAGCAGAAATAGAAGGGACGAAGT[A>G]TTTCTGCCTTTCCCAGATTCTGTAAGAAATATGCATCTTCTGGCTGAGAAATTATCTTCA-3'